The following is an entry in ClinVar:

NM_003803.4(MYOM1):c.3284T>C (p.Ile1095Thr)

Gene: MYOM1 (myomesin 1; minus strand). Cytogenetic location: 18p11.31.
Variant type: single nucleotide variant.
Coding change: c.3284T>C on transcript NM_003803.4 (MANE Select); coding-DNA position 3284, T replaced by C.
Protein change: p.Ile1095Thr; replaces isoleucine 1095 with threonine.
Molecular consequence: missense variant.
Genome position (GRCh38, 1-based): chr18:3,116,350, A>G on the plus strand (T>C on the coding strand, the complement: MYOM1 is on the minus strand). VCF-style: chr18-3116350-A-G. GRCh37 (hg19) VCF-style: chr18-3116348-A-G.
Other names: c.2996T>C, p.Ile999Thr (NM_019856.2); short protein forms I1095T, I999T.
Identifiers: ClinVar variation 2413459 (VCV002413459.6), dbSNP rs1225479791, ClinGen allele CA401705700.

ClinVar aggregate classification (germline): Uncertain significance (1 of 4 stars; one submission).

Conditions:
Hypertrophic cardiomyopathy. Also called: HYPERTROPHIC MYOCARDIOPATHY. Identifiers: Orphanet 217569, MedGen C0007194, MeSH D002312, MONDO:0005045, HP:0001639.

Allele frequency attached by ClinVar (database versions not stated): TOPMed below 0.00001; gnomAD 0.00001.
gnomAD v4.1: 3 of 1,611,726 alleles (0.00019%); highest among the groups gnomAD compares: Non-Finnish European, 0.000085%; no homozygotes.

Submission:

Labcorp Genetics (formerly Invitae), Labcorp
Classification: Uncertain significance for Hypertrophic cardiomyopathy. Last evaluated: 2025-10-04. Review status: criteria provided, single submitter. Criteria: Invitae Variant Classification Sherloc (09022015). Collection method: clinical testing. Allele origin: germline.
Comment: This sequence change replaces isoleucine, which is neutral and non-polar, with threonine, which is neutral and polar, at codon 1095 of the MYOM1 protein (p.Ile1095Thr). This variant is not present in population databases (gnomAD no frequency). This variant has not been reported in the literature in individuals affected with MYOM1-related conditions. ClinVar contains an entry for this variant (Variation ID: 2413459). Invitae Evidence Modeling of protein sequence and biophysical properties (such as structural, functional, and spatial information, amino acid conservation, physicochemical variation, residue mobility, and thermodynamic stability) indicates that this missense variant is not expected to disrupt MYOM1 protein function with a negative predictive value of 80%. In summary, the available evidence is currently insufficient to determine the role of this variant in disease. Therefore, it has been classified as a Variant of Uncertain Significance.